The following is an entry in ClinVar:

ClinVar aggregate classification (germline): Uncertain significance. Review status: criteria provided, multiple submitters, no conflicts (2 of 4 stars). 2 submissions from 2 submitters: Uncertain significance (2). Last evaluated 2024-01-20.

Conditions:
Epidermolysis bullosa, junctional 6, with pyloric atresia. Also called: ITGA6-Related Epidermolysis Bullosa with Pyloric Atresia. Identifiers: MedGen C5676957, MONDO:0859233, OMIM 619817.

Allele frequency attached by ClinVar (database versions not stated): TOPMed 0.00001.
gnomAD v4.1: 8 of 1,614,106 alleles (0.0005%); highest among the groups gnomAD compares: Admixed American, 0.0017%; no homozygotes.

Submissions (2):

Fulgent Genetics
Classification: Uncertain significance for Epidermolysis bullosa, junctional 6, with pyloric atresia. Last evaluated: 2024-01-20. Review status: criteria provided, single submitter. Criteria: ACMG Guidelines, 2015. Collection method: clinical testing. Allele origin: germline.

Labcorp Genetics (formerly Invitae), Labcorp
Classification: Uncertain significance. Last evaluated: 2023-05-22. Review status: criteria provided, single submitter. Criteria: Invitae Variant Classification Sherloc (09022015). Collection method: clinical testing. Allele origin: germline.
Comment: In summary, the available evidence is currently insufficient to determine the role of this variant in disease. Therefore, it has been classified as a Variant of Uncertain Significance. Advanced modeling of protein sequence and biophysical properties (such as structural, functional, and spatial information, amino acid conservation, physicochemical variation, residue mobility, and thermodynamic stability) performed at Invitae indicates that this missense variant is not expected to disrupt ITGA6 protein function. ClinVar contains an entry for this variant (Variation ID: 1946220). This variant has not been reported in the literature in individuals affected with ITGA6-related conditions. This variant is present in population databases (no rsID available, gnomAD 0.002%). This sequence change replaces leucine, which is neutral and non-polar, with isoleucine, which is neutral and non-polar, at codon 739 of the ITGA6 protein (p.Leu739Ile).

NM_000210.4(ITGA6):c.2215C>A (p.Leu739Ile)

Genes: ITGA6 (integrin subunit alpha 6; plus strand), PDK1-AS1 (PDK1 and ITGA6 antisense RNA 1; minus strand). Cytogenetic location: 2q31.1.
Variant type: single nucleotide variant.
Coding change: c.2215C>A on transcript NM_000210.4 (MANE Select); coding-DNA position 2215, C replaced by A.
Protein change: p.Leu739Ile; replaces leucine 739 with isoleucine.
Molecular consequence: missense variant.
Genome position (GRCh38, 1-based): chr2:172,487,601, C>A. VCF-style: chr2-172487601-C-A. GRCh37 (hg19) VCF-style: chr2-173352329-C-A.
Other names: c.2215C>A, p.Leu739Ile (NM_001079818.3, NM_001365529.2, NM_001365530.2); c.1858C>A, p.Leu620Ile (NM_001316306.2); c.2332C>A, p.Leu778Ile (NM_001394928.1); short protein forms L620I, L778I, L739I.
Identifiers: ClinVar variation 1946220 (VCV001946220.6), dbSNP rs779334490, ClinGen allele CA349294205.